The following is an entry in ClinVar:

ClinVar aggregate classification (germline): Uncertain significance. Review status: criteria provided, multiple submitters, no conflicts (2 of 4 stars). 2 submissions from 2 submitters: Uncertain significance (2). Last evaluated 2025-12-06.

Conditions:
Hereditary cancer-predisposing syndrome. Also called: Tumor predisposition; Hereditary Cancer Syndrome; Hereditary neoplastic syndrome; Neoplastic Syndromes, Hereditary. Identifiers: Orphanet 140162, MedGen C0027672, MeSH D009386, MONDO:0015356.
Pheochromocytoma. Also called: MAX-Related Hereditary Paraganglioma-Pheochromocytoma Syndrome. Identifiers: Orphanet 29072, MedGen C0031511, MONDO:0008233, OMIM 171300, HP:0002666.
Paragangliomas with sensorineural hearing loss. Identifiers: MedGen C1868633.
Cowden syndrome 3 (CWS3). Identifiers: Orphanet 201, MedGen CN166604, MONDO:0014045.
Carney-Stratakis syndrome. Also called: PARAGANGLIOMA AND GASTROINTESTINAL STROMAL TUMOR. Identifiers: Orphanet 97286, MedGen C1847319, MONDO:0011740, OMIM 606864.

Submissions (2):

Ambry Genetics
Classification: Uncertain significance for Hereditary cancer-predisposing syndrome. Last evaluated: 2025-12-06. Review status: criteria provided, single submitter. Criteria: Ambry Variant Classification Scheme 2023. Collection method: clinical testing. Allele origin: germline.
Comment: The p.A124T variant (also known as c.370G>A), located in coding exon 4 of the SDHD gene, results from a G to A substitution at nucleotide position 370. The alanine at codon 124 is replaced by threonine, an amino acid with similar properties. This amino acid position is conserved. In addition, the in silico prediction for this alteration is inconclusive. Based on the available evidence, the clinical significance of this variant remains unclear.

Labcorp Genetics (formerly Invitae), Labcorp
Classification: Uncertain significance for Carney-Stratakis syndrome; Paragangliomas with sensorineural hearing loss; Pheochromocytoma; Cowden syndrome 3. Last evaluated: 2021-10-01. Review status: criteria provided, single submitter. Criteria: Invitae Variant Classification Sherloc (09022015). Collection method: clinical testing. Allele origin: germline.
Comment: In summary, the available evidence is currently insufficient to determine the role of this variant in disease. Therefore, it has been classified as a Variant of Uncertain Significance. Algorithms developed to predict the effect of missense changes on protein structure and function output the following: SIFT: "Tolerated"; PolyPhen-2: "Benign"; Align-GVGD: "Class C0". The threonine amino acid residue is found in multiple mammalian species, which suggests that this missense change does not adversely affect protein function. This variant has not been reported in the literature in individuals affected with SDHD-related conditions. This variant is not present in population databases (ExAC no frequency). This sequence change replaces alanine with threonine at codon 124 of the SDHD protein (p.Ala124Thr). The alanine residue is highly conserved and there is a small physicochemical difference between alanine and threonine.

NM_003002.4(SDHD):c.370G>A (p.Ala124Thr)

Gene: SDHD (succinate dehydrogenase complex subunit D; plus strand). Cytogenetic location: 11q23.1.
Variant type: single nucleotide variant.
Coding change: c.370G>A on transcript NM_003002.4 (MANE Select); coding-DNA position 370, G replaced by A.
Protein change: p.Ala124Thr; replaces alanine 124 with threonine.
Molecular consequence: missense variant. On other transcripts: synonymous variant (1), 3 prime UTR variant (1), non-coding transcript variant (1).
Genome position (GRCh38, 1-based): chr11:112,094,860, G>A. VCF-style: chr11-112094860-G-A. GRCh37 (hg19) VCF-style: chr11-111965584-G-A.
Other names: c.225G>A, p.Leu75= (NM_001276503.2); c.253G>A, p.Ala85Thr (NM_001276504.2); c.*68G>A (NM_001276506.2); c.370G>A (NM_003002.2); short protein forms A124T, A85T.
Identifiers: ClinVar variation 1478379 (VCV001478379.7), dbSNP rs1865811145, ClinGen allele CA382619018.